The following is an entry in ClinVar:

NM_020937.4(FANCM):c.4401del (p.Ser1468fs)

Gene: FANCM (FA complementation group M; plus strand). Cytogenetic location: 14q21.2.
Variant type: Deletion.
Coding change: c.4401del on transcript NM_020937.4 (MANE Select); coding-DNA position 4401, one base deleted (T; older notation c.4401delT).
Protein change: p.Ser1468fs; shifts the reading frame from serine 1468.
Molecular consequence: frameshift variant.
Genome position (GRCh38, 1-based): chr14:45,183,788, T deleted. VCF-style (leftmost placement, unchanged base first): chr14-45183787-CT-C. GRCh37 (hg19) VCF-style: chr14-45652990-CT-C.
Other names: p.Ser1468Valfs*14; c.4323del, p.Ser1442fs (NM_001308133.2); short protein forms S1442fs, S1468fs.
Identifiers: ClinVar variation 1071415 (VCV001071415.9), dbSNP rs1405059699, ClinGen allele CA613828338.

ClinVar aggregate classification (germline): Pathogenic/Likely pathogenic. Review status: criteria provided, multiple submitters, no conflicts (2 of 4 stars). 3 submissions from 3 submitters: Pathogenic (1); Likely pathogenic (2). Last evaluated 2026-08-06.

Conditions:
Fanconi anemia (FA). Also called: Fanconi's anemia. Identifiers: Orphanet 84, MedGen C0015625, MeSH D005199, MONDO:0019391.
Spermatogenic failure 28. Identifiers: MedGen C4748117, MONDO:0054732, OMIM 618086.

Allele frequency attached by ClinVar (database versions not stated): TOPMed below 0.00001; gnomAD 0.00001.

Submissions (3):

OLLIN Analises Genomicas, OLLIN
Classification: Likely pathogenic for Spermatogenic failure 28. Last evaluated: 2026-08-06. Review status: criteria provided, single submitter. Criteria: ACMG Guidelines 2015 PMID 25741868. Collection method: clinical testing. Allele origin: germline. Inheritance: Autosomal recessive inheritance.
Comment: This frameshift variant, located in exon 17 (of 23), has been reported in ClinVar (accession VCV001071415.8) and in gnomAD with an allele frequency of 0.00019%. However, to our knowledge, it has not been reported in the scientific literature. This variant causes a frameshift and introduces a premature stop codon, which is predicted to result in either a truncated protein or degradation of the mRNA via nonsense-mediated decay (NMD). According to the currently available evidence, this variant has been classified as likely pathogenic (PVS1, PM2_P).

Mayo Clinic Laboratories, Mayo Clinic
Classification: Likely pathogenic. Last evaluated: 2025-09-30. Review status: criteria provided, single submitter. Criteria: ACMG Guidelines, 2015. Collection method: clinical testing. Allele origin: germline. Observed: 1 variant allele.
Comment: PM2_supporting, PVS1

Labcorp Genetics (formerly Invitae), Labcorp
Classification: Pathogenic for Fanconi anemia. Last evaluated: 2022-08-02. Review status: criteria provided, single submitter. Criteria: Invitae Variant Classification Sherloc (09022015). Collection method: clinical testing. Allele origin: germline.
Comment: For these reasons, this variant has been classified as Pathogenic. Algorithms developed to predict the effect of sequence changes on RNA splicing suggest that this variant may create or strengthen a splice site. ClinVar contains an entry for this variant (Variation ID: 1071415). This variant has not been reported in the literature in individuals affected with FANCM-related conditions. This variant is present in population databases (no rsID available, gnomAD 0.007%). This sequence change creates a premature translational stop signal (p.Ser1468Valfs*14) in the FANCM gene. It is expected to result in an absent or disrupted protein product. Loss-of-function variants in FANCM are known to be pathogenic (PMID: 29895858, 30075111).

Literature cited by the submitters: PubMed 29895858 (cited by Labcorp Genetics (formerly Invitae), Labcorp); PubMed 30075111 (cited by Labcorp Genetics (formerly Invitae), Labcorp).